The following is an entry in ClinVar:

GRCh37/hg19 1q44(chr1:244960357-245040680)x1

Genes: COX20 (cytochrome c oxidase assembly factor COX20; plus strand), HNRNPU (heterogeneous nuclear ribonucleoprotein U; minus strand). Cytogenetic location: 1q44.
Variant type: copy number loss.
Change: copy number 1 (one copy instead of two) of chr1:244,960,357-245,040,680 (80.3 kb, GRCh37 coordinates, 1-based), cytogenetic band 1q44.
Identifiers: ClinVar variation 1807770 (VCV001807770.1).

ClinVar aggregate classification (germline): Pathogenic (1 of 4 stars; one submission).

Submission:

Quest Diagnostics Nichols Institute San Juan Capistrano
Classification: Pathogenic. Last evaluated: 2021-09-24. Review status: criteria provided, single submitter. Criteria: ACMG/ClinGen CNV Guidelines, 2019. Collection method: clinical testing. Allele origin: unknown.
Comment: The copy number loss of 1q44 involves two protein-coding genes, COX20 (OMIM 614698) and HNRNPU (OMIM 602869), and is expected to cause phenotypic and/or developmental abnormalities. This interval lies within the larger region of chromosome 1q43-q44 deletion syndrome (OMIM 612337), a neurodevelopmental disorder characterized by moderate-to-severe intellectual disability, limited or no speech, and variable but characteristic facial features. Other manifestations may include hypotonia, poor growth, microcephaly, agenesis of the corpus callosum, and seizures. The phenotype is variable and not all features are observed in all patients, which suggests incomplete penetrance and/or variable expressivity. Three distinct critical regions have been proposed for the phenotypes of 1q43-q44 deletions, which implicate AKT3 (OMIM 611223), ZBTB18 (OMIM 608433), and HNRNPU as primary candidate genes (Lopes 2019, Depienne 2017, Raun 2017, Shetty 2015, Gupta 2014, Thierry 2012, Ballif 2012). Specifically, the critical region for epilepsy involves HNRNPU and COX20, and small deletions involving only these two genes (similar to the current interval) have been reported in at least two patients with 1q43-q44 deletion syndrome (Depienne 2017). Additionally, haploinsufficiency of HNRNPU due to loss-of-function sequence variants and whole/partial gene deletions has been associated with developmental and epileptic encephalopathy-54 (OMIM 617391), a severe autosomal dominant disorder characterized by delayed psychomotor development, early-onset refractory seizures, and severe intellectual disability (Durkin 2020, Bramswig 2017, Depienne 2017, Leduc 2017). Biallelic variants of COX20 are associated with autosomal recessive mitochondrial complex IV deficiency nuclear type 11 (OMIM 619054). Further, there are no similar copy number losses of this region reported in the general populations of the Database of Genomic Variants. References: Ballif et al., Hum Genet. 2012 Jan;131(1):145-56. PMID: 21800092. Bramswig et al., Hum Genet. 2017 Jul;136(7):821-834. PMID: 28393272. Depienne et al., Hum Genet. 2017 Apr;136(4):463-479. PMID: 28283832. Durkin et al., Am J Med Genet A. 2020 Jul;182(7):1637-1654. PMID: 32319732. Gupta et al., Am J Med Genet A. 2014 Jan;164A(1):186-9. PMID: 24214579. Leduc et al., Am J Med Genet A. 2017 Oct;173(10):2680-2689. PMID: 28815871. Lopes et al., Front Genet. 2019 Feb 22;10:58. PMID: 30853971. Raun et al., Am J Med Genet A. 2017 Apr;173(4):972-977. PMID: 28328126. Shetty et al., Mol Syndromol. 2015 Oct;6(4):187-92. PMID: 26648835. Thierry et al., Am J Med Genet A. 2012 Jul;158A(7):1633-40. PMID: 22678713.